The following is an entry in ClinVar:

NM_000038.6(APC):c.618C>A (p.Thr206=)

Gene: APC (APC regulator of Wnt signaling pathway; plus strand). Cytogenetic location: 5q22.2.
Variant type: single nucleotide variant.
Coding change: c.618C>A on transcript NM_000038.6 (MANE Select); coding-DNA position 618, C replaced by A.
Protein change: p.Thr206=; no amino-acid change (threonine 206 retained).
Molecular consequence: synonymous variant. On other transcripts: 5 prime UTR variant (1).
Genome position (GRCh38, 1-based): chr5:112,780,876, C>A. VCF-style: chr5-112780876-C-A. GRCh37 (hg19) VCF-style: chr5-112116573-C-A.
Other names: c.618C>A, p.Thr206= (NM_001127510.3, NM_001354895.2, NM_001354896.2 and 2 more transcripts); c.648C>A, p.Thr216= (NM_001127511.3, NM_001354897.2, NM_001354902.2); c.543C>A, p.Thr181= (NM_001354898.2, NM_001354904.2); c.441C>A, p.Thr147= (NM_001354900.2, NM_001354901.2, NM_001354905.2); c.-418C>A (NM_001354906.2).
Identifiers: ClinVar variation 537682 (VCV000537682.15), dbSNP rs1554072631, ClinGen allele CA445755519.

ClinVar aggregate classification (germline): Benign/Likely benign. Review status: criteria provided, multiple submitters, no conflicts (2 of 4 stars). 4 submissions from 4 submitters: Benign (1); Likely benign (3). Last evaluated 2026-01-31.

Conditions:
Hereditary cancer-predisposing syndrome. Also called: Tumor predisposition; Hereditary Cancer Syndrome; Hereditary neoplastic syndrome; Neoplastic Syndromes, Hereditary. Identifiers: Orphanet 140162, MedGen C0027672, MeSH D009386, MONDO:0015356.
Familial adenomatous polyposis 1 (FAP1). Also called: FAMILIAL ADENOMATOUS POLYPOSIS 1, ATTENUATED; POLYPOSIS, ADENOMATOUS INTESTINAL. Identifiers: MedGen C2713442, MONDO:0021056, OMIM 175100. Disease mechanism: loss of function.

Allele frequency attached by ClinVar (database versions not stated): TOPMed 0.00001.

Submissions (4):

Labcorp Genetics (formerly Invitae), Labcorp
Classification: Likely benign for Familial adenomatous polyposis 1. Last evaluated: 2026-01-31. Review status: criteria provided, single submitter. Criteria: Invitae Variant Classification Sherloc (09022015). Collection method: clinical testing. Allele origin: germline.

Myriad Genetics, Inc.
Classification: Benign for Familial adenomatous polyposis 1. Last evaluated: 2024-02-26. Review status: criteria provided, single submitter. Criteria: Myriad Autosomal Dominant, Autosomal Recessive and X-Linked Classification Criteria (2023). Collection method: clinical testing. Allele origin: unknown.
Comment: This variant is considered benign. This variant is a silent/synonymous amino acid change and it is not expected to impact splicing.

Ambry Genetics
Classification: Likely benign for Hereditary cancer-predisposing syndrome. Last evaluated: 2023-06-08. Review status: criteria provided, single submitter. Criteria: Ambry Variant Classification Scheme 2023. Collection method: clinical testing. Allele origin: germline.

Sema4
Classification: Likely benign for Hereditary cancer-predisposing syndrome. Last evaluated: 2022-03-15. Review status: criteria provided, single submitter. Criteria: Sema4 Curation Guidelines. Collection method: curation. Allele origin: germline.